The following is an entry in ClinVar:

ClinVar aggregate classification (germline): Pathogenic. Review status: criteria provided, multiple submitters, no conflicts (2 of 4 stars). 3 submissions from 3 submitters: Pathogenic (3). Last evaluated 2025-02-16.

Conditions:
Hereditary breast ovarian cancer syndrome. Also called: Hereditary breast and ovarian cancer syndrome (HBOC); BRCA1- and BRCA2-Associated Hereditary Breast and Ovarian Cancer; Hereditary breast and ovarian cancer syndrome; Hereditary breast and ovarian cancer; Hereditary breast and/or ovarian cancer syndrome; Breast and ovarian cancer. Identifiers: Orphanet 145, MedGen C0677776, MeSH D061325, MONDO:0003582. Disease mechanism: loss of function.
Hereditary cancer-predisposing syndrome. Also called: Neoplastic Syndromes, Hereditary; Hereditary Cancer Syndrome; Tumor predisposition; Hereditary neoplastic syndrome. Identifiers: Orphanet 140162, MedGen C0027672, MeSH D009386, MONDO:0015356.
Breast-ovarian cancer, familial, susceptibility to, 2 (BROVCA2). Also called: BRCA2 Hereditary Breast and Ovarian Cancer. Identifiers: Orphanet 145, MedGen C2675520, MONDO:0012933, OMIM 612555. Disease mechanism: loss of function.

Submissions (3):

Labcorp Genetics (formerly Invitae), Labcorp
Classification: Pathogenic for Hereditary breast ovarian cancer syndrome. Last evaluated: 2025-02-16. Review status: criteria provided, single submitter. Criteria: Invitae Variant Classification Sherloc (09022015). Collection method: clinical testing. Allele origin: germline.
Comment: This sequence change creates a premature translational stop signal (p.Thr491Ilefs*18) in the BRCA2 gene. It is expected to result in an absent or disrupted protein product. Loss-of-function variants in BRCA2 are known to be pathogenic (PMID: 20104584). This variant is not present in population databases (gnomAD no frequency). This premature translational stop signal has been observed in individual(s) with breast and/or ovarian cancer (PMID: 28294317, 30702160, 31825140). ClinVar contains an entry for this variant (Variation ID: 2583805). For these reasons, this variant has been classified as Pathogenic.

Ambry Genetics
Classification: Pathogenic for Hereditary cancer-predisposing syndrome. Last evaluated: 2024-06-26. Review status: criteria provided, single submitter. Criteria: Ambry Variant Classification Scheme 2023. Collection method: clinical testing. Allele origin: germline.
Comment: The c.1472delC pathogenic mutation, located in coding exon 9 of the BRCA2 gene, results from a deletion of one nucleotide at nucleotide position 1472, causing a translational frameshift with a predicted alternate stop codon (p.T491Ifs*18). This variant was observed in an individual undergoing BRCA1/2 genetic testing based on personal and/or family history of breast and/or ovarian cancer (Lang GT et al. Int J Cancer, 2017 Jul;141:129-142). This variant is considered to be rare based on population cohorts in the Genome Aggregation Database (gnomAD). In addition to the clinical data presented in the literature, this alteration is expected to result in loss of function by premature protein truncation or nonsense-mediated mRNA decay. As such, this alteration is interpreted as a disease-causing mutation.

Myriad Genetics, Inc.
Classification: Pathogenic for Breast-ovarian cancer, familial, susceptibility to, 2. Last evaluated: 2023-05-02. Review status: criteria provided, single submitter. Criteria: Myriad Autosomal Dominant, Autosomal Recessive and X-Linked Classification Criteria (2023). Collection method: clinical testing. Allele origin: unknown.
Comment: This variant is considered pathogenic. This variant creates a frameshift predicted to result in premature protein truncation.

Literature cited by the submitters: PubMed 20104584 (cited by Labcorp Genetics (formerly Invitae), Labcorp); PubMed 28294317 (cited by Labcorp Genetics (formerly Invitae), Labcorp and Ambry Genetics); PubMed 30702160 (cited by Labcorp Genetics (formerly Invitae), Labcorp); PubMed 31825140 (cited by Labcorp Genetics (formerly Invitae), Labcorp).

NM_000059.4(BRCA2):c.1472del (p.Thr491fs)

Gene: BRCA2 (BRCA2 DNA repair associated; plus strand). Cytogenetic location: 13q13.1.
Variant type: Deletion.
Coding change: c.1472del on transcript NM_000059.4 (MANE Select); coding-DNA position 1472, one base deleted (C; older notation c.1472delC).
Protein change: p.Thr491fs; shifts the reading frame from threonine 491.
Molecular consequence: frameshift variant.
Genome position (GRCh38, 1-based): chr13:32,332,950, C deleted. VCF-style (leftmost placement, unchanged base first): chr13-32332949-AC-A. GRCh37 (hg19) VCF-style: chr13-32907086-AC-A.
Other names: c.1472delC (NM_000059.3); short protein forms T491fs.
Identifiers: ClinVar variation 2583805 (VCV002583805.5), dbSNP rs1566223656, ClinGen allele CA919242420.
Genomic context (GRCh38, chr13:32,332,949, plus strand): 5'-GAGCAGCATCTTGAATCTCATACAGACTGCATTCTTGCAGTAAAGCAGGCAATATCTGGA[AC>A]TTCTCCAGTGGCTTCTTCATTTCAGGGTATCAAAAAGTCTATATTCAGAATAAGAGAATC-3'